The following is an entry in ClinVar:

ClinVar aggregate classification (germline): Uncertain significance (1 of 4 stars; one submission).

Allele frequency attached by ClinVar (database versions not stated): gnomAD exomes below 0.00001.
gnomAD v4.1: 1 of 1,614,144 alleles (0.000062%); highest among the groups gnomAD compares: Non-Finnish European, 0.000085%; no homozygotes.

Submission:

GeneDx
Classification: Uncertain significance. Last evaluated: 2022-06-08. Review status: criteria provided, single submitter. Criteria: GeneDx Variant Classification Process June 2021. Collection method: clinical testing. Allele origin: germline. Affected: yes.
Comment: Not observed at significant frequency in large population cohorts (gnomAD); In silico analysis supports that this missense variant has a deleterious effect on protein structure/function; Has not been previously published as pathogenic or benign to our knowledge

NM_206933.4(USH2A):c.7808G>T (p.Cys2603Phe)

Gene: USH2A (usherin; minus strand). Cytogenetic location: 1q41.
Variant type: single nucleotide variant.
Coding change: c.7808G>T on transcript NM_206933.4 (MANE Select); coding-DNA position 7808, G replaced by T.
Protein change: p.Cys2603Phe; replaces cysteine 2603 with phenylalanine.
Molecular consequence: missense variant.
Genome position (GRCh38, 1-based): chr1:215,888,841, C>A on the plus strand (G>T on the coding strand, the complement: USH2A is on the minus strand). VCF-style: chr1-215888841-C-A. GRCh37 (hg19) VCF-style: chr1-216062183-C-A.
Other names: short protein forms C2603F.
Identifiers: ClinVar variation 1803589 (VCV001803589.1), dbSNP rs2464750166, ClinGen allele CA344839875.